The following is an entry in ClinVar:

ClinVar aggregate classification (germline): Pathogenic/Likely pathogenic. Review status: criteria provided, multiple submitters, no conflicts (2 of 4 stars). 10 submissions from 10 submitters: Pathogenic (6); Likely pathogenic (2). 2 of the submissions do not count toward it. Last evaluated 2026-06-01.

Conditions:
Cardiovascular phenotype. Identifiers: MedGen CN230736.
TTN-related disorder. Also called: TTN-related disorders; TTN-related condition; TTN-related disease.
Dilated cardiomyopathy 1G (CMD1G). Identifiers: Orphanet 154, MedGen C1858763, MONDO:0011400, OMIM 604145.
Autosomal recessive limb-girdle muscular dystrophy type 2J (LGMDR10). Also called: Limb-girdle muscular dystrophy, type 2J; MUSCULAR DYSTROPHY, LIMB-GIRDLE, AUTOSOMAL RECESSIVE 10. Identifiers: Orphanet 140922, MedGen C1837342, MONDO:0012127, OMIM 608807.

Allele frequency attached by ClinVar (database versions not stated): gnomAD exomes below 0.00001.
gnomAD v4.1: 6 of 1,613,302 alleles (0.00037%); highest among the groups gnomAD compares: South Asian, 0.0011%; no homozygotes.

Submissions (10):

CeGaT Center for Human Genetics Tuebingen
Classification: Pathogenic. Last evaluated: 2026-06-01. Review status: criteria provided, single submitter. Criteria: CeGaT Center For Human Genetics Tuebingen Variant Classification Criteria Version 2. Collection method: clinical testing. Allele origin: germline. Affected: yes. Observed: 2 variant alleles.
Comment: TTN: PS4, PVS1:Strong, PM2

Dasa
Classification: Pathogenic. Last evaluated: 2026-04-22. Review status: criteria provided, single submitter. Criteria: DASA Assertion Criteria. Collection method: clinical testing. Allele origin: germline.
Comment: NM_001267550.2(TTN):c.58870C>T (p.Arg19624*) introduces a premature termination codon predicted to result in loss of normal protein function. Loss-of-function is an established mechanism of disease for this gene. This variant has been recurrently observed in individuals with related phenotype (PMID: 30471092; PMID: 31638414; PMID: 31983221; PMID: 34011823; PMID: 34088380). The variant is present at low frequency in population datasets. Based on the available data, this variant is classified as pathogenic.

Labcorp Genetics (formerly Invitae), Labcorp
Classification: Likely pathogenic for Dilated cardiomyopathy 1G; Autosomal recessive limb-girdle muscular dystrophy type 2J. Last evaluated: 2026-01-28. Review status: criteria provided, single submitter. Criteria: Invitae Variant Classification Sherloc (09022015). Collection method: clinical testing. Allele origin: germline.
Comment: This sequence change creates a premature translational stop signal (p.Arg19624*) in the TTN gene. While this is not anticipated to result in nonsense mediated decay, it is expected to create a truncated TTN protein. This variant is not present in population databases (gnomAD no frequency). This premature translational stop signal has been observed in individual(s) with atrial fibrillation, dilated cardiomyopathy, and/or left ventricular non-compaction (PMID: 30471092, 31638414, 31983221, 34011823, 34088380, 39844436). This variant is also known as c.53947C>T (p.Arg17983X). ClinVar contains an entry for this variant (Variation ID: 466646). This variant is located in the A band of TTN (PMID: 25589632). Truncating variants in this region are significantly overrepresented in patients affected with dilated cardiomyopathy (PMID: 25589632). Truncating variants in this region have also been reported in individuals affected with autosomal recessive centronuclear myopathy (PMID: 23975875). In summary, the currently available evidence indicates that the variant is pathogenic, but additional data are needed to prove that conclusively. Therefore, this variant has been classified as Likely Pathogenic.

Blueprint Genetics
Classification: Pathogenic for TTN-related disorders. Last evaluated: 2024-04-10. Review status: criteria provided, single submitter. Criteria: ACMG Guidelines, 2015. Collection method: clinical testing. Allele origin: germline. Affected: yes. Observed: 3 variant alleles.

Ambry Genetics
Classification: Pathogenic for Cardiovascular phenotype. Last evaluated: 2023-06-12. Review status: criteria provided, single submitter. Criteria: Ambry Variant Classification Scheme 2023. Collection method: clinical testing. Allele origin: germline.
Comment: The c.31675C>T (p.R10559*) alteration, located in exon 127 (coding exon 126) of the TTN gene, consists of a C to T substitution at nucleotide position 31675. This changes the amino acid from an arginine (R) to a stop codon at amino acid position 10559. This alteration is expected to result in loss of function by premature protein truncation or nonsense-mediated mRNA decay. This variant was not reported in population-based cohorts in the Genome Aggregation Database (gnomAD). This variant (also referred to as p.R17983*, c.53947C>T and p.R19624*, c.58870C>T) has been detected in individuals reported to have dilated cardiomyopathy and left ventricular noncompaction (Richard, 2019; Mazzarotto, 2020; Nguyen, 2021). This exon is located in the A-band region of the N2-B isoform of the titin protein and is constitutively expressed in TTN transcripts (percent spliced in or PSI 100%). Based on the available evidence, this alteration is classified as pathogenic.

GeneDx
Classification: Pathogenic. Last evaluated: 2022-01-27. Review status: criteria provided, single submitter. Criteria: GeneDx Variant Classification Process June 2021. Collection method: clinical testing. Allele origin: germline. Affected: yes.
Comment: Located in the A-band region of titin, where the majority of truncating pathogenic variants associated with DCM have been reported (Herman et al., 2012).; Not observed at significant frequency in large population cohorts (gnomAD); This variant is associated with the following publications: (PMID: 22335739, 30471092, 31983221, 34088380, 31638414, 34011823)

Victorian Clinical Genetics Services, Murdoch Childrens Research Institute
Classification: Likely pathogenic for Dilated cardiomyopathy 1G. Last evaluated: 2020-05-21. Review status: criteria provided, single submitter. Criteria: ACMG Guidelines, 2015. Collection method: clinical testing. Allele origin: germline. Affected: yes.
Comment: Based on the classification scheme VCGS_Germline_v1.1.1, this variant is classified as Likely pathogenic. Following criteria are met: 0102 - Loss-of-function is a known mechanism of disease for this gene. (N) 0104 - Dominant Negative is a mechanism of disease for this gene. (N) 0108 - This gene is known to be associated with both recessive and dominant disease (OMIM). (N) 0112 - Variants in this gene are known to have reduced penetrance (PMID: 25589632, 28045975). (N) 0201 - Variant is predicted to cause nonsense-mediated decay (NMD) and loss of protein (exon 127 of 191). (P) 0251 - Variant is heterozygous. (N) 0301 - Variant is absent from gnomAD. (P) 0602 - Variant is located in a hotspot region or cluster of pathogenic variants. This variant is located in A-band and PSI is 1 (PMID: 25589632). (N) 0703 - Comparable variants have moderate previous evidence for pathogenicity. Other variants predicted to cause NMD have been reported as pathogenic in multiple individuals (ClinVar). (P) 0802 - Moderate previous evidence of pathogenicity in unrelated individuals. The variant has been previously reported as likely pathogenic in several patients (ClinVar, PMID: 28436997, 31638414) (P) 0905 - No segregation evidence has been identified for this variant. (N) 1007 - No published functional evidence has been identified for this variant. (N) 1208 - Inheritance information for this variant is not currently available. (N) Legend: (P) - Pathogenic, (N) - Neutral, (B) - Benign

Juno Genomics, Hangzhou Juno Genomics, Inc
Classification: Pathogenic for Dilated cardiomyopathy 1G. Review status: criteria provided, single submitter. Criteria: ACMG Guidelines, 2015. Collection method: clinical testing. Allele origin: germline.
Comment: Null variant in a gene where loss of function (LOF) is a known mechanism of disease.;Absent from controls (or at extremely low frequency if recessive) in Genome Aggregation Database.;The prevalence of the variant in affected individuals is significantly increased compared to the prevalence in controls.

Cardiogenetics and Myogenetics Molecular and Cellular Functional Unit, Aphp Sorbonne University-Hopital Pitie Salpetriere
Classification: Likely pathogenic for Dilated cardiomyopathy 1G. Last evaluated: 2024-01-06. Review status: no assertion criteria provided. Collection method: clinical testing. Allele origin: germline. Affected: yes. Not counted in ClinVar's aggregate classification.

KTest Genetics, KTest
Classification: Pathogenic for Dilated cardiomyopathy 1G. Review status: no assertion criteria provided. Criteria: ACMG Guidelines, 2015. Collection method: clinical testing. Allele origin: germline. Affected: yes. Not counted in ClinVar's aggregate classification.

Literature cited by the submitters: PubMed 30471092 (cited by 3 submitters); PubMed 31638414 (cited by 3 submitters); PubMed 31983221 (cited by 3 submitters); PubMed 34011823 (cited by 3 submitters); PubMed 34088380 (cited by Dasa and Labcorp Genetics (formerly Invitae), Labcorp); PubMed 39844436 (cited by Dasa and Labcorp Genetics (formerly Invitae), Labcorp); PubMed 25589632 (cited by 3 submitters); PubMed 23975875 (cited by Labcorp Genetics (formerly Invitae), Labcorp); PubMed 22335739 (cited by Ambry Genetics); PubMed 27869827 (cited by Ambry Genetics); PubMed 28045975 (cited by Victorian Clinical Genetics Services, Murdoch Childrens Research Institute); PubMed 28436997 (cited by Victorian Clinical Genetics Services, Murdoch Childrens Research Institute).

NM_001267550.2(TTN):c.58870C>T (p.Arg19624Ter)

Genes: TTN (titin; minus strand), TTN-AS1 (TTN antisense RNA 1; plus strand). Cytogenetic location: 2q31.2.
Variant type: single nucleotide variant.
Coding change: c.58870C>T on transcript NM_001267550.2 (MANE Select); coding-DNA position 58870, C replaced by T.
Protein change: p.Arg19624Ter; replaces arginine 19624 with a stop codon.
Molecular consequence: nonsense.
Genome position (GRCh38, 1-based): chr2:178,593,338, G>A on the plus strand (C>T on the coding strand, the complement: TTN is on the minus strand). VCF-style: chr2-178593338-G-A. GRCh37 (hg19) VCF-style: chr2-179458065-G-A.
Other names: c.58870C>T (NM_001267550.1); c.53947C>T, p.Arg17983Ter (NM_001256850.1); c.31675C>T, p.Arg10559Ter (NM_003319.4); c.51166C>T, p.Arg17056Ter (NM_133378.4); c.32050C>T, p.Arg10684Ter (NM_133432.3); c.32251C>T, p.Arg10751Ter (NM_133437.4); short protein forms R19624*, R10559*, R10751*, R17983*, R17056*, R10684*.
Identifiers: ClinVar variation 466646 (VCV000466646.61), dbSNP rs1553649171, ClinGen allele CA349501189.
Genomic context (GRCh38, chr2:178,593,338, plus strand): 5'-GATCAGGAACCCTAAATTTAGTGTATGGATGAATAGGATCTTTGGTAACTCTAGCCCATC[G>A]TTTAGACATAGTTTCTCTCTTTTCCAGGATGTAGTTTGTGATGGGTTTTCCTCCATCATG-3'